The following is an entry in ClinVar:

ClinVar aggregate classification (germline): Likely pathogenic (1 of 4 stars; one submission).

Conditions:
Ehlers-Danlos syndrome, classic type, 1 (EDSCL1). Also called: EHLERS-DANLOS SYNDROME, GRAVIS TYPE; EHLERS-DANLOS SYNDROME, SEVERE CLASSIC TYPE; Ehlers-Danlos syndrome, type 1; Ehlers-Danlos Syndrome, Classic Type, COL5A1-Related; EDS I. Identifiers: MedGen C0268335, MONDO:0019567, OMIM 130000.

Submission:

Institute of Human Genetics, University of Leipzig Medical Center
Classification: Likely pathogenic for Ehlers-Danlos syndrome, classic type, 1. Last evaluated: 2023-06-22. Review status: criteria provided, single submitter. Criteria: ACMG Guidelines, 2015. Collection method: clinical testing. Allele origin: paternal. Inheritance: Autosomal dominant inheritance. Affected: yes.
Comment: Criteria applied: PVS1,PM2_SUP

NM_000093.5(COL5A1):c.2134-2_2150dup

Gene: COL5A1 (collagen type V alpha 1 chain; plus strand). Cytogenetic location: 9q34.3.
Variant type: Duplication.
Coding change: c.2134-2_2150dup on transcript NM_000093.5 (MANE Select); the canonical splice acceptor site of the intron before coding-DNA position 2134 through coding-DNA position 2150, 19 bases duplicated (AGGGTCCCCAGGGAGAGCC).
Molecular consequence: splice acceptor variant.
Genome position (GRCh38, 1-based): chr9:134,766,998-134,767,016, AGGGTCCCCAGGGAGAGCC duplicated. VCF-style (leftmost placement, unchanged base first): chr9-134766997-T-TAGGGTCCCCAGGGAGAGCC. GRCh37 (hg19) VCF-style: chr9-137658843-T-TAGGGTCCCCAGGGAGAGCC.
Other names: c.2134-2_2150dup (NM_001278074.1); c.2150_2151insAGGGTCCCCAGGGAGAGCC (NM_000093.5).
Identifiers: ClinVar variation 2576603 (VCV002576603.2), dbSNP rs2490664456, ClinGen allele CA2580617141.
Genomic context (GRCh38, chr9:134,766,997, plus strand): 5'-CACCCAGGAAGGGGATACAGTTCCCAGAGCCCCCTTCAGTGCCTTTGCTCTTGTCTCCTG[T>TAGGGTCCCCAGGGAGAGCC]AGGGTCCCCAGGGAGAGCCTGGCCCCCCAGGACAGCAGGGTAATCCAGGCGCCCAGGTAA-3'